The following is an entry in ClinVar:

ClinVar aggregate classification (germline): Uncertain significance (1 of 4 stars; one submission).

gnomAD v4.1: 1 of 1,614,086 alleles (0.000062%); highest among the groups gnomAD compares: Non-Finnish European, 0.000085%; no homozygotes.

Submission:

GeneDx
Classification: Uncertain significance. Last evaluated: 2020-02-14. Review status: criteria provided, single submitter. Criteria: GeneDx Variant Classification Process June 2021. Collection method: clinical testing. Allele origin: germline. Affected: yes.
Comment: Not observed in large population cohorts (Lek et al., 2016); In silico analysis supports that this missense variant has a deleterious effect on protein structure/function; Has not been previously published as pathogenic or benign to our knowledge

NM_001376.5(DYNC1H1):c.2357G>C (p.Arg786Pro)

Gene: DYNC1H1 (dynein cytoplasmic 1 heavy chain 1; plus strand). Cytogenetic location: 14q32.31.
Variant type: single nucleotide variant.
Coding change: c.2357G>C on transcript NM_001376.5 (MANE Select); coding-DNA position 2357, G replaced by C.
Protein change: p.Arg786Pro; replaces arginine 786 with proline.
Molecular consequence: missense variant.
Genome position (GRCh38, 1-based): chr14:101,986,582, G>C. VCF-style: chr14-101986582-G-C. GRCh37 (hg19) VCF-style: chr14-102452919-G-C.
Other names: short protein forms R786P.
Identifiers: ClinVar variation 1312016 (VCV001312016.2), dbSNP rs1181434652, ClinGen allele CA391023162.